The following is an entry in ClinVar:

NM_007118.4(TRIO):c.4414A>G (p.Met1472Val)

Gene: TRIO (trio Rho guanine nucleotide exchange factor; plus strand). Cytogenetic location: 5p15.2.
Variant type: single nucleotide variant.
Coding change: c.4414A>G on transcript NM_007118.4 (MANE Select); coding-DNA position 4414, A replaced by G.
Protein change: p.Met1472Val; replaces methionine 1472 with valine.
Molecular consequence: missense variant. On other transcripts: non-coding transcript variant (1).
Genome position (GRCh38, 1-based): chr5:14,397,145, A>G. VCF-style: chr5-14397145-A-G. GRCh37 (hg19) VCF-style: chr5-14397254-A-G.
Other names: short protein forms M1472V.
Identifiers: ClinVar variation 4993605 (VCV004993605.1).

ClinVar aggregate classification (germline): Uncertain significance (1 of 4 stars; one submission).

Conditions:
TRIO-related disorder. Also called: TRIO-related disorders; TRIO-related condition.

Submission:

PreventionGenetics, part of Exact Sciences
Classification: Uncertain significance for TRIO-related condition. Last evaluated: 2026-05-28. Review status: criteria provided, single submitter. Criteria: ACMG Guidelines, 2015. Collection method: clinical testing. Allele origin: germline.
Comment: The TRIO c.4414A>G variant is predicted to result in the amino acid substitution p.Met1472Val. To our knowledge, this variant has not been reported in the literature or in a large population database (gnomAD), indicating this variant is rare. At this time, the clinical significance of this variant is uncertain due to the absence of conclusive functional and genetic evidence.